The following is an entry in ClinVar:

ClinVar aggregate classification (germline): Uncertain significance (1 of 4 stars; one submission).

Submission:

Labcorp Genetics (formerly Invitae), Labcorp
Classification: Uncertain significance. Last evaluated: 2025-01-03. Review status: criteria provided, single submitter. Criteria: Invitae Variant Classification Sherloc (09022015). Collection method: clinical testing. Allele origin: germline.
Comment: This sequence change replaces threonine, which is neutral and polar, with asparagine, which is neutral and polar, at codon 648 of the OPA1 protein (p.Thr648Asn). This variant is not present in population databases (gnomAD no frequency). This variant has not been reported in the literature in individuals affected with OPA1-related conditions. Invitae Evidence Modeling of protein sequence and biophysical properties (such as structural, functional, and spatial information, amino acid conservation, physicochemical variation, residue mobility, and thermodynamic stability) indicates that this missense variant is not expected to disrupt OPA1 protein function with a negative predictive value of 80%. In summary, the available evidence is currently insufficient to determine the role of this variant in disease. Therefore, it has been classified as a Variant of Uncertain Significance.

NM_130837.3(OPA1):c.2108C>A (p.Thr703Asn)

Gene: OPA1 (OPA1 mitochondrial dynamin like GTPase; plus strand). Cytogenetic location: 3q29.
Variant type: single nucleotide variant.
Coding change: c.2108C>A on transcript NM_130837.3 (MANE Select); coding-DNA position 2108, C replaced by A.
Protein change: p.Thr703Asn; replaces threonine 703 with asparagine.
Molecular consequence: missense variant.
Genome position (GRCh38, 1-based): chr3:193,654,957, C>A. VCF-style: chr3-193654957-C-A. GRCh37 (hg19) VCF-style: chr3-193372746-C-A.
Other names: c.1574C>A, p.Thr525Asn (NM_001354663.2); c.1571C>A, p.Thr524Asn (NM_001354664.2); c.1943C>A, p.Thr648Asn (NM_015560.3); c.1835C>A, p.Thr612Asn (NM_130831.3); c.1889C>A, p.Thr630Asn (NM_130832.3); c.1946C>A, p.Thr649Asn (NM_130833.3); c.1997C>A, p.Thr666Asn (NM_130834.3); c.2000C>A, p.Thr667Asn (NM_130835.3); and 1 more; short protein forms T525N, T649N, T666N, T630N, T703N, T524N, T612N, T648N.
Identifiers: ClinVar variation 3716708 (VCV003716708.2).